The following is an entry in ClinVar:

ClinVar aggregate classification (germline): Pathogenic. Review status: criteria provided, multiple submitters, no conflicts (2 of 4 stars). 17 submissions from 17 submitters: Pathogenic (15). 2 of the submissions do not count toward it. Last evaluated 2026-07-13.

Conditions:
Global developmental delay (DD). Also called: Cognitive delay. Identifiers: MedGen C0557874, HP:0001263. Disease mechanism: loss of function.
KBG syndrome (KBGS). Also called: ANKRD11-Related KBG Syndrome. Identifiers: Orphanet 2332, MedGen C0220687, MONDO:0007846, OMIM 148050.
ANKRD11-related disorder. Also called: ANKRD11-related condition.
Inborn genetic diseases. Identifiers: MedGen C0950123, MeSH D030342.

Submissions (17):

Ambry Genetics
Classification: Pathogenic for Inborn genetic diseases. Last evaluated: 2026-07-13. Review status: criteria provided, single submitter. Criteria: Ambry Variant Classification Scheme 2023. Collection method: clinical testing. Allele origin: germline.
Comment: The c.2408_2412delAAAAA (p.K803Rfs*5) alteration, located in exon 9 (coding exon 7) of the ANKRD11 gene, consists of a deletion of 5 nucleotides from position 2408 to 2412, causing a translational frameshift with a predicted alternate stop codon after 5 amino acids. This alteration is expected to result in loss of function by premature protein truncation or nonsense-mediated mRNA decay. This variant was not reported in population-based cohorts in the Genome Aggregation Database (gnomAD). This variant was reported in individual(s) with features consistent with KBG syndrome; in at least one individual, it was determined to be de novo (Parenti, 2021; Gnazzo, 2020; Low, 2016; Bestetti, 2022; Ambry internal data). Based on the available evidence, this alteration is classified as pathogenic.

Labcorp Genetics (formerly Invitae), Labcorp
Classification: Pathogenic for KBG syndrome. Last evaluated: 2024-11-18. Review status: criteria provided, single submitter. Criteria: Invitae Variant Classification Sherloc (09022015). Collection method: clinical testing. Allele origin: germline.
Comment: This sequence change creates a premature translational stop signal (p.Lys803Argfs*5) in the ANKRD11 gene. It is expected to result in an absent or disrupted protein product. Loss-of-function variants in ANKRD11 are known to be pathogenic (PMID: 21782149, 25125236, 25413698, 25652421). This variant is not present in population databases (gnomAD no frequency). This premature translational stop signal has been observed in individuals with KBG syndrome (PMID: 27667800). ClinVar contains an entry for this variant (Variation ID: 266033). For these reasons, this variant has been classified as Pathogenic.

Institute for Clinical Genetics, University Hospital TU Dresden, University Hospital TU Dresden
Classification: Pathogenic. Last evaluated: 2022-12-12. Review status: criteria provided, single submitter. Criteria: ACMG Guidelines, 2015. Collection method: clinical testing. Allele origin: germline.
Comment: PVS1

CeGaT Center for Human Genetics Tuebingen
Classification: Pathogenic. Last evaluated: 2022-11-01. Review status: criteria provided, single submitter. Criteria: CeGaT Center For Human Genetics Tuebingen Variant Classification Criteria Version 2. Collection method: clinical testing. Allele origin: germline. Affected: yes. Observed: 1 variant allele.
Comment: ANKRD11: PVS1, PM2

Medical Cytogenetics and Molecular Genetics Laboratory, IRCCS Istituto Auxologico Italiano
Classification: Pathogenic for KBG syndrome. Last evaluated: 2021-11-01. Review status: criteria provided, single submitter. Criteria: ACMG Guidelines, 2015. Collection method: research. Allele origin: germline. Affected: yes. Observed: 1 variant allele.

Fulgent Genetics
Classification: Pathogenic for KBG syndrome. Last evaluated: 2021-07-06. Review status: criteria provided, single submitter. Criteria: ACMG Guidelines, 2015. Collection method: clinical testing. Allele origin: unknown.

GeneDx
Classification: Pathogenic. Last evaluated: 2021-03-18. Review status: criteria provided, single submitter. Criteria: GeneDx Variant Classification Process June 2021. Collection method: clinical testing. Allele origin: germline. Affected: yes.
Comment: Frameshift variant predicted to result in protein truncation or nonsense mediated decay in a gene for which loss-of-function is a known mechanism of disease; Not observed in large population cohorts (Lek et al., 2016); This variant is associated with the following publications: (PMID: 27667800, 25533962, 28191890, 29224748, 28135719, 32124548)

Institute for Human Genetics, University Hospital Essen
Classification: Pathogenic for Global developmental delay. Last evaluated: 2021-01-22. Review status: criteria provided, single submitter. Criteria: ACMG Guidelines, 2015. Collection method: research. Allele origin: de novo. Affected: yes. Observed: 2 variant alleles.

Blueprint Genetics
Classification: Pathogenic for ANKRD11-related disorders. Last evaluated: 2021-01-14. Review status: criteria provided, single submitter. Criteria: ACMG Guidelines, 2015. Collection method: clinical testing. Allele origin: germline. Affected: yes. Observed: 1 variant allele.

Institute of Medical Genetics and Applied Genomics, University Hospital Tübingen
Classification: Pathogenic. Last evaluated: 2020-10-23. Review status: criteria provided, single submitter. Criteria: ACMG Guidelines, 2015. Collection method: clinical testing. Allele origin: germline. Inheritance: Unknown mechanism. Affected: yes.

Laboratoire de Génétique Moléculaire, CHU Bordeaux
Classification: Pathogenic for KBG syndrome. Last evaluated: 2020-05-28. Review status: criteria provided, single submitter. Criteria: ACMG Guidelines, 2015. Collection method: clinical testing. Allele origin: germline. Affected: yes.

Institute of Human Genetics, University of Leipzig Medical Center
Classification: Pathogenic for KBG syndrome. Last evaluated: 2020-03-09. Review status: criteria provided, single submitter. Criteria: ACMG Guidelines, 2015. Collection method: clinical testing. Allele origin: de novo. Affected: yes. Observed: 1 variant allele.

Equipe Genetique des Anomalies du Developpement, Université de Bourgogne
Classification: Pathogenic for KBG syndrome. Last evaluated: 2018-05-09. Review status: criteria provided, single submitter. Criteria: ACMG Guidelines, 2015. Collection method: clinical testing. Allele origin: maternal. Affected: yes.

HudsonAlpha Institute for Biotechnology
Classification: Pathogenic for KBG syndrome. Last evaluated: 2016-09-15. Review status: criteria provided, single submitter. Criteria: HA_assertions_20161101. Collection method: research. Allele origin: unknown. Affected: yes. Observed: 1 variant allele. Study: CSER-HudsonAlpha.

Clinical Genetics Service, Universitary Hospital 12 de Octubre
Classification: Pathogenic for KBG syndrome. Review status: criteria provided, single submitter. Criteria: ACMG Guidelines, 2015. Collection method: clinical testing. Allele origin: de novo. Affected: yes.

PreventionGenetics, part of Exact Sciences
Classification: Pathogenic for ANKRD11-related condition. Last evaluated: 2024-03-25. Review status: no assertion criteria provided. Collection method: clinical testing. Allele origin: germline. Not counted in ClinVar's aggregate classification.
Comment: The ANKRD11 c.2408_2412del5 variant is predicted to result in a frameshift and premature protein termination (p.Lys803Argfs*5). This variant has been reported in multiple unrelated individuals with KBG syndrome (Low et al. 2016. PubMed ID: 27667800; Bianchi et al. 2017. PubMed ID: 29224748; Wright et al. 2021. PubMed ID: 33149276; Parenti et al. 2021. PubMed ID: 33955014; Marangoni et al. 2021. PubMed ID: 34906519; Digilio et al. 2021. PubMed ID: 34971082; Tal-Ben Ishay et al. 2021. PubMed ID: 35052376; Loberti et al. 2022. PubMed ID: 35861666). This variant has not been reported in a large population database, indicating this variant is rare. Frameshift variants in ANKRD11 are expected to be pathogenic. This variant is interpreted as pathogenic.

Autoinflammatory diseases unit, CHU de Montpellier
Classification: Pathogenic for KBG syndrome. Last evaluated: 2016-04-15. Review status: no assertion criteria provided. Collection method: clinical testing. Allele origin: de novo. Affected: yes. Observed: 2 variant alleles. Not counted in ClinVar's aggregate classification.

Literature cited by the submitters: PubMed 27667800 (cited by Ambry Genetics and Labcorp Genetics (formerly Invitae), Labcorp); PubMed 32124548 (cited by Ambry Genetics); PubMed 33955014 (cited by Ambry Genetics and Institute for Human Genetics, University Hospital Essen); PubMed 35682590 (cited by Ambry Genetics); PubMed 21782149 (cited by Labcorp Genetics (formerly Invitae), Labcorp); PubMed 25125236 (cited by Labcorp Genetics (formerly Invitae), Labcorp); PubMed 25413698 (cited by Labcorp Genetics (formerly Invitae), Labcorp); PubMed 25652421 (cited by Labcorp Genetics (formerly Invitae), Labcorp).

NM_013275.6(ANKRD11):c.2408_2412del (p.Lys803fs)

Gene: ANKRD11 (ankyrin repeat domain 11; minus strand). Cytogenetic location: 16q24.3.
Variant type: Deletion.
Coding change: c.2408_2412del on transcript NM_013275.6 (MANE Select); coding-DNA positions 2408 to 2412, 5 bases deleted (AAAAA; older notation c.2408_2412delAAAAA).
Protein change: p.Lys803fs; shifts the reading frame from lysine 803.
Molecular consequence: frameshift variant.
Genome position (GRCh38, 1-based): chr16:89,284,130-89,284,134, TTTTT deleted on the plus strand (AAAAA on the coding strand, the reverse complement: ANKRD11 is on the minus strand); deleting any 5 consecutive bases within chr16:89,284,130-89,284,135 gives the same sequence; the c. name uses the placement nearest the transcript's 3' end. VCF-style (leftmost placement, unchanged base first): chr16-89284129-CTTTTT-C. GRCh37 (hg19) VCF-style: chr16-89350537-CTTTTT-C.
Other names: c.2408_2412delAAAAA (NM_013275.5, NM_013275.6, NM_013275.4 and 1 more transcripts); c.2408_2412del, p.Lys803fs (NM_001256182.2, NM_001256183.2); c.2408_2412del5 (NM_013275.5); c.2408_2412del (NM_001256183.1); short protein forms K803fs.
Identifiers: ClinVar variation 266033 (VCV000266033.60), dbSNP rs886039902, ClinGen allele CA10588953.